The following is an entry in ClinVar:

ClinVar aggregate classification (germline): Uncertain significance (1 of 4 stars; one submission).

Submission:

GeneDx
Classification: Uncertain significance. Last evaluated: 2025-04-27. Review status: criteria provided, single submitter. Criteria: GeneDx Variant Classification Process June 2021. Collection method: clinical testing. Allele origin: germline. Affected: yes.
Comment: Not observed at significant frequency in large population cohorts (gnomAD); In silico analysis indicates that this missense variant does not alter protein structure/function; Has not been previously published as pathogenic or benign to our knowledge

NM_002715.4(PPP2CA):c.821C>G (p.Ala274Gly)

Gene: PPP2CA (protein phosphatase 2 catalytic subunit alpha; minus strand). Cytogenetic location: 5q31.1.
Variant type: single nucleotide variant.
Coding change: c.821C>G on transcript NM_002715.4 (MANE Select); coding-DNA position 821, C replaced by G.
Protein change: p.Ala274Gly; replaces alanine 274 with glycine.
Molecular consequence: missense variant. On other transcripts: non-coding transcript variant (1).
Genome position (GRCh38, 1-based): chr5:134,199,122, G>C on the plus strand (C>G on the coding strand, the complement: PPP2CA is on the minus strand). VCF-style: chr5-134199122-G-C. GRCh37 (hg19) VCF-style: chr5-133534813-G-C.
Other names: c.626C>G, p.Ala209Gly (NM_001355019.2); short protein forms A209G, A274G.
Identifiers: ClinVar variation 4527315 (VCV004527315.1).